The following is an entry in ClinVar:

ClinVar aggregate classification (germline): Pathogenic/Likely pathogenic. Review status: criteria provided, multiple submitters, no conflicts (2 of 4 stars). 5 submissions from 5 submitters: Pathogenic (1); Likely pathogenic (3). 1 of the submissions does not count toward it. Last evaluated 2025-10-29.

Conditions:
Roifman syndrome (RFMN). Also called: SPONDYLOEPIPHYSEAL DYSPLASIA, RETINAL DYSTROPHY, AND ANTIBODY DEFICIENCY. Identifiers: Orphanet 353298, MedGen C1846059, MONDO:0014722, OMIM 616651.
Osteodysplastic primordial dwarfism, type 1 (MOPD1). Also called: Microcephalic Osteodysplastic Primordial Dwarfism, Type I; Microcephalic Osteodysplastic Primordial Dwarfism Type I/III (MOPDI) / Taybi-Linder Syndrome; MICROCEPHALIC OSTEODYSPLASTIC PRIMORDIAL DWARFISM, TYPE III; MOPD III; OSTEODYSPLASTIC PRIMORDIAL DWARFISM, TYPE III; MICROCEPHALIC OSTEODYSPLASTIC PRIMORDIAL DWARFISM TYPE I/III. Identifiers: Orphanet 2636, MedGen C1859452, MONDO:0008871, OMIM 210710.
Retinal disorder. Also called: Retinopathies; Retinal Diseases; Retinopathy; Retinal disorders. Identifiers: MedGen C0035309, MONDO:0005283, HP:0000488.

Allele frequency attached by ClinVar (database versions not stated): gnomAD 0.00004 and 0.00005; gnomAD exomes 0.00006; 1000 Genomes Project 0.00020; TOPMed 0.00006.
gnomAD v4.1: 26 of 700,188 alleles (0.0037%); highest among the groups gnomAD compares: African/African-American, 0.014%; no homozygotes.

Submissions (5):

Labcorp Genetics (formerly Invitae), Labcorp
Classification: Pathogenic. Last evaluated: 2025-10-29. Review status: criteria provided, single submitter. Criteria: Invitae Variant Classification Sherloc (09022015). Collection method: clinical testing. Allele origin: germline.
Comment: This variant occurs in the RNU4ATAC gene, which encodes an RNA molecule that does not result in a protein product. This variant is present in population databases (rs544312701, gnomAD 0.02%). This variant has been observed in individual(s) with microcephalic osteodysplastic primordial dwarfism, type I (PMID: 22581640, 27040866). In at least one individual the data is consistent with being in trans (on the opposite chromosome) from a pathogenic variant. It has also been observed to segregate with disease in related individuals. ClinVar contains an entry for this variant (Variation ID: 39443). Functional studies have shown that this variant disrupts ncRNA function (PMID: 24865609) This variant is located within the Sm protein-binding region of the RNU4ATAC RNA, which is important for small nuclear RNA maturation (PMID: 32628740). A significant number of disease-associated RNU4ATAC variants are found in this region (PMID: 32628740, 30368667). For these reasons, this variant has been classified as Pathogenic.

Genetics Laboratory, Great Ormond Street Hospital NHS Foundation Trust, North Thames Genomic Laboratory Hub
Classification: Likely pathogenic for Retinal disorders. Last evaluated: 2025-09-04. Review status: criteria provided, single submitter. Criteria: ACGS Best Practice Guidelines for Variant Classification in Rare Disease 2024 v1.2. Collection method: clinical testing. Allele origin: germline. Affected: yes.
Comment: PM2_moderate, PS3_moderate, PM3_supporting, PP4_supporting

Women's Health and Genetics/Laboratory Corporation of America, LabCorp
Classification: Likely pathogenic for Roifman syndrome. Last evaluated: 2023-07-19. Review status: criteria provided, single submitter. Criteria: LabCorp Variant Classification Summary - May 2015. Collection method: clinical testing. Allele origin: germline.
Comment: Variant summary: RNU4ATAC n.124G>A alters a nucleotide in the non-coding RNA. The variant allele was found at a frequency of 6.1e-05 in 130472 control chromosomes. n.124G>A has been reported in the literature in individuals affected with Microcephalic Osteodysplastic Primordial Dwarfism type I (Putoux_2016, Abdel-Salaam_2012). These data indicate that the variant may be associated with disease. At least one publication reports experimental evidence demonstrating a greater than 90% decrease in snRNA (Jafarifar_2014). The following publications have been ascertained in the context of this evaluation (PMID: 22581640, 24865609, 27040866). Two submitters have cited clinical-significance assessments for this variant to ClinVar after 2014. All submitters classified the variant as pathogenic (n=1) and likely pathogenic (n=1). Based on the evidence outlined above, the variant was classified as likely pathogenic.

Undiagnosed Diseases Network, NIH
Classification: Likely pathogenic for Roifman syndrome. Last evaluated: 2022-01-27. Review status: criteria provided, single submitter. Criteria: ACMG Guidelines, 2015. Collection method: clinical testing. Allele origin: paternal. Inheritance: Autosomal recessive inheritance. Affected: yes. Observed: 1 variant allele, 1 compound heterozygote. Study: Undiagnosed Diseases Network (NIH), UDN.

OMIM
Classification: Pathogenic for MICROCEPHALIC OSTEODYSPLASTIC PRIMORDIAL DWARFISM, TYPE I. Last evaluated: 2012-06-01. Review status: no assertion criteria provided. Collection method: literature only. Allele origin: germline. Not counted in ClinVar's aggregate classification.

Literature cited by the submitters: PubMed 22581640 (cited by 4 submitters); PubMed 27040866 (cited by 3 submitters); PubMed 24865609 (cited by Labcorp Genetics (formerly Invitae), Labcorp and Women's Health and Genetics/Laboratory Corporation of America, LabCorp); PubMed 32628740 (cited by Labcorp Genetics (formerly Invitae), Labcorp); PubMed 30368667 (cited by Labcorp Genetics (formerly Invitae), Labcorp).

NR_023343.3(RNU4ATAC):n.124G>A

Genes: CLASP1 (cytoplasmic linker associated protein 1; minus strand), CLASP1-AS1 (CLASP1 antisense RNA 1; plus strand), RNU4ATAC (RNA, U4atac small nuclear; plus strand). Cytogenetic location: 2q14.2.
Variant type: single nucleotide variant.
Molecular consequence: intron variant (on NM_001395891.1).
Genome position: GRCh38 VCF-style: chr2-121531003-G-A. GRCh37 (hg19) VCF-style: chr2-122288579-G-A.
Other names: 124G-A; c.196-678C>T (NM_001142274.2, NM_015282.3, NM_001378003.1 and 5 more transcripts).
Identifiers: ClinVar variation 39443 (VCV000039443.12), dbSNP rs544312701, ClinGen allele CA130299.
Genomic context (GRCh38, chr2:121,531,003, plus strand): 5'-ACGCCTGAACAACACACCCGCATCAACTAGAGCTTTTGCTTTATTTTGGTGCAATTTTTG[G>A]AAAAATGAAAACCTGTTTTCATAGACTTATCAGTTCAAACAGCAGTAATTCGTAAATAAA-3'